The following is an entry in ClinVar:

NM_001330078.2(NRXN1):c.3244+18T>A

Gene: NRXN1 (neurexin 1; minus strand). Cytogenetic location: 2p16.3.
Variant type: single nucleotide variant.
Coding change: c.3244+18T>A on transcript NM_001330078.2 (MANE Select); 18 bases into the intron after coding-DNA position 3244, T replaced by A.
Molecular consequence: intron variant.
Genome position (GRCh38, 1-based): chr2:50,472,280, A>T on the plus strand (T>A on the coding strand, the complement: NRXN1 is on the minus strand). VCF-style: chr2-50472280-A-T. GRCh37 (hg19) VCF-style: chr2-50699418-A-T.
Other names: c.3220+18T>A (NM_001330082.2, NM_001330077.2); c.3217+18T>A (NM_001330085.2); c.3244+18T>A (NM_004801.6, NM_001330086.2); c.3364+18T>A (NM_001135659.3); c.3133+18T>A (NM_001330096.2, NM_001330087.2); c.3178+18T>A (NM_001330083.2, NM_001330084.2); c.3163+18T>A (NM_001330088.2); c.3241+18T>A (NM_001330093.2); and 2 more.
Identifiers: ClinVar variation 385713 (VCV000385713.5), dbSNP rs371530345, ClinGen allele CA1654636.

ClinVar aggregate classification (germline): Likely benign. Review status: criteria provided, multiple submitters, no conflicts (2 of 4 stars). 2 submissions from 2 submitters: Likely benign (2). Last evaluated 2025-09-27.

Conditions:
Pitt-Hopkins-like syndrome 2 (PTHSL2). Identifiers: Orphanet 221150, Orphanet 600663, MedGen C3280479, MONDO:0013690, OMIM 614325.

Allele frequency attached by ClinVar (database versions not stated): gnomAD exomes 0.00001; ExAC 0.00002; gnomAD 0.00002; TOPMed 0.00002; ESP Exome Variant Server 0.00017.
gnomAD v4.1: 15 of 1,525,936 alleles (0.00098%); highest among the groups gnomAD compares: Non-Finnish European, 0.0013%; no homozygotes.

Submissions (2):

Labcorp Genetics (formerly Invitae), Labcorp
Classification: Likely benign for Pitt-Hopkins-like syndrome 2. Last evaluated: 2025-09-27. Review status: criteria provided, single submitter. Criteria: Invitae Variant Classification Sherloc (09022015). Collection method: clinical testing. Allele origin: germline.

GeneDx
Classification: Likely benign. Last evaluated: 2016-05-02. Review status: criteria provided, single submitter. Criteria: GeneDx Variant Classification (06012015). Collection method: clinical testing. Allele origin: germline. Affected: yes.
Comment: This variant is considered likely benign or benign based on one or more of the following criteria: it is a conservative change, it occurs at a poorly conserved position in the protein, it is predicted to be benign by multiple in silico algorithms, and/or has population frequency not consistent with disease.